The following is an entry in ClinVar:

ClinVar aggregate classification (germline): Uncertain significance (1 of 4 stars; one submission).

Submission:

Dasa
Classification: Uncertain significance. Last evaluated: 2025-12-02. Review status: criteria provided, single submitter. Criteria: DASA Assertion Criteria. Collection method: clinical testing. Allele origin: germline.
Comment: NM_001387220.1(IKZF2):c.3G>A (p.Met1?) is a start-loss variant predicted to alter the translation initiation codon and impair normal protein translation. This variant is absent from population databases. The currently available literature and clinical evidence are not sufficient to establish a definitive association between this variant and the reported condition. Therefore, this variant is classified as a variant of uncertain significance.

NM_001387220.1(IKZF2):c.3G>A (p.Met1Ile)

Gene: IKZF2 (IKAROS family zinc finger 2; minus strand). Cytogenetic location: 2q34.
Variant type: single nucleotide variant.
Coding change: c.3G>A on transcript NM_001387220.1 (MANE Select); coding-DNA position 3, G replaced by A.
Protein change: p.Met1Ile; changes the start codon (methionine 1).
Molecular consequence: missense variant, initiator codon variant.
Genome position (GRCh38, 1-based): chr2:213,148,627, C>T on the plus strand (G>A on the coding strand, the complement: IKZF2 is on the minus strand). VCF-style: chr2-213148627-C-T. GRCh37 (hg19) VCF-style: chr2-214013351-C-T.
Other names: c.3G>A, p.Met1Ile (NM_001079526.2, NM_001371274.1, NM_001371275.1 and 3 more transcripts); short protein forms M1I.
Identifiers: ClinVar variation 5020781 (VCV005020781.1).